The following is an entry in ClinVar:

ClinVar aggregate classification (germline): Benign. Review status: criteria provided, multiple submitters, no conflicts (2 of 4 stars). 2 submissions from 2 submitters: Benign (2). Last evaluated 2018-01-13.

Conditions:
CBL-related disorder. Also called: NOONAN SYNDROME-LIKE DISORDER WITHOUT JUVENILE MYELOMONOCYTIC LEUKEMIA; CBL MUTATION-ASSOCIATED SYNDROME; CBL SYNDROME. Identifiers: Orphanet 363972, MedGen C3150803, MONDO:0013308, OMIM 613563.

Allele frequency attached by ClinVar (database versions not stated): gnomAD exomes 0.34487; 1000 Genomes Project 0.39677; 1000 Genomes Project 30x 0.39881; gnomAD 0.40367 and 0.41211; TOPMed 0.41495.
gnomAD v4.1: 89,072 of 232,766 alleles (38%); highest among the groups gnomAD compares: African/African-American, 66%; 19,496 homozygotes.

Submissions (2):

Illumina Laboratory Services, Illumina
Classification: Benign for CBL-related disorder. Last evaluated: 2018-01-13. Review status: criteria provided, single submitter. Criteria: ICSL Variant Classification Criteria 13 December 2019. Collection method: clinical testing. Allele origin: germline.
Comment: This variant was observed in the ICSL laboratory as part of a predisposition screen in an ostensibly healthy population. It had not been previously curated by ICSL or reported in the Human Gene Mutation Database (HGMD: prior to June 1st, 2018), and was therefore a candidate for classification through an automated scoring system. Utilizing variant allele frequency, disease prevalence and penetrance estimates, and inheritance mode, an automated score was calculated to assess if this variant is too frequent to cause the disease. Based on the score and internal cut-off values, a variant classified as benign is not then subjected to further curation. The score for this variant resulted in a classification of benign for this disease.

Breakthrough Genomics
Classification: Benign. Review status: criteria provided, single submitter. Criteria: ACMG Guidelines, 2015. Collection method: not provided. Allele origin: germline. Inheritance: Autosomal dominant inheritance. Affected: yes.

NM_005188.4(CBL):c.*4584C>A

Gene: CBL (Cbl proto-oncogene; plus strand). Cytogenetic location: 11q23.3.
Variant type: single nucleotide variant.
Coding change: c.*4584C>A on transcript NM_005188.4 (MANE Select); 4584 bases downstream of the stop codon, C replaced by A.
Molecular consequence: 3 prime UTR variant.
Genome position (GRCh38, 1-based): chr11:119,304,365, C>A. VCF-style: chr11-119304365-C-A. GRCh37 (hg19) VCF-style: chr11-119175075-C-A.
Identifiers: ClinVar variation 302852 (VCV000302852.6), dbSNP rs2509671, ClinGen allele CA10633712.